The following is an entry in ClinVar:

ClinVar aggregate classification (germline): Uncertain significance. Review status: criteria provided, multiple submitters, no conflicts (2 of 4 stars). 3 submissions from 3 submitters: Uncertain significance (3). Last evaluated 2025-12-11.

Conditions:
Familial adenomatous polyposis 1 (FAP1). Also called: FAMILIAL ADENOMATOUS POLYPOSIS 1, ATTENUATED; POLYPOSIS, ADENOMATOUS INTESTINAL. Identifiers: MedGen C2713442, MONDO:0021056, OMIM 175100. Disease mechanism: loss of function.
Hereditary cancer-predisposing syndrome. Also called: Tumor predisposition; Hereditary Cancer Syndrome; Hereditary neoplastic syndrome; Neoplastic Syndromes, Hereditary. Identifiers: Orphanet 140162, MedGen C0027672, MeSH D009386, MONDO:0015356.

Allele frequency attached by ClinVar (database versions not stated): gnomAD exomes below 0.00001; TOPMed below 0.00001.
gnomAD v4.1: 1 of 1,614,120 alleles (0.000062%); highest among the groups gnomAD compares: Non-Finnish European, 0.000085%; no homozygotes.

Submissions (3):

Labcorp Genetics (formerly Invitae), Labcorp
Classification: Uncertain significance for Familial adenomatous polyposis 1. Last evaluated: 2025-12-11. Review status: criteria provided, single submitter. Criteria: Invitae Variant Classification Sherloc (09022015). Collection method: clinical testing. Allele origin: germline.
Comment: This sequence change replaces proline, which is neutral and non-polar, with arginine, which is basic and polar, at codon 112 of the APC protein (p.Pro112Arg). This variant is not present in population databases (gnomAD no frequency). This variant has not been reported in the literature in individuals affected with APC-related conditions. ClinVar contains an entry for this variant (Variation ID: 411533). Invitae Evidence Modeling of protein sequence and biophysical properties (such as structural, functional, and spatial information, amino acid conservation, physicochemical variation, residue mobility, and thermodynamic stability) indicates that this missense variant is not expected to disrupt APC protein function with a negative predictive value of 95%. In summary, the available evidence is currently insufficient to determine the role of this variant in disease. Therefore, it has been classified as a Variant of Uncertain Significance.

Ambry Genetics
Classification: Uncertain significance for Hereditary cancer-predisposing syndrome. Last evaluated: 2025-05-25. Review status: criteria provided, single submitter. Criteria: Ambry Variant Classification Scheme 2023. Collection method: clinical testing. Allele origin: germline.
Comment: The p.P112R variant (also known as c.335C>G), located in coding exon 3 of the APC gene, results from a C to G substitution at nucleotide position 335. The proline at codon 112 is replaced by arginine, an amino acid with dissimilar properties. This amino acid position is highly conserved in available vertebrate species. In addition, in silico predictors for this gene do not accurately predict pathogenicity. Since supporting evidence is limited at this time, the clinical significance of this alteration remains unclear.

GeneDx
Classification: Uncertain significance. Last evaluated: 2023-01-04. Review status: criteria provided, single submitter. Criteria: GeneDx Variant Classification Process June 2021. Collection method: clinical testing. Allele origin: germline. Affected: yes.
Comment: Not observed at significant frequency in large population cohorts (gnomAD); In silico analysis supports that this missense variant has a deleterious effect on protein structure/function; Has not been previously published as pathogenic or benign to our knowledge

NM_000038.6(APC):c.335C>G (p.Pro112Arg)

Gene: APC (APC regulator of Wnt signaling pathway; plus strand). Cytogenetic location: 5q22.2.
Variant type: single nucleotide variant.
Coding change: c.335C>G on transcript NM_000038.6 (MANE Select); coding-DNA position 335, C replaced by G.
Protein change: p.Pro112Arg; replaces proline 112 with arginine.
Molecular consequence: missense variant. On other transcripts: 5 prime UTR variant (1).
Genome position (GRCh38, 1-based): chr5:112,767,303, C>G. VCF-style: chr5-112767303-C-G. GRCh37 (hg19) VCF-style: chr5-112103000-C-G.
Other names: c.335C>G, p.Pro112Arg (NM_001127510.3, NM_001354895.2, NM_001354896.2 and 2 more transcripts); c.365C>G, p.Pro122Arg (NM_001127511.3, NM_001354897.2, NM_001354902.2); c.260C>G, p.Pro87Arg (NM_001354898.2, NM_001354904.2); c.158C>G, p.Pro53Arg (NM_001354900.2, NM_001354901.2, NM_001354905.2); c.-701C>G (NM_001354906.2); short protein forms P122R, P112R, P53R, P87R.
Identifiers: ClinVar variation 411533 (VCV000411533.18), dbSNP rs1060503357, ClinGen allele CA16022055.